The following is an entry in ClinVar:

ClinVar aggregate classification (germline): Uncertain significance. Review status: criteria provided, multiple submitters, no conflicts (2 of 4 stars). 5 submissions from 5 submitters: Uncertain significance (5). Last evaluated 2026-04-20.

Conditions:
Inborn genetic diseases. Identifiers: MedGen C0950123, MeSH D030342.
Ullrich congenital muscular dystrophy 2 (UCMD2). Identifiers: Orphanet 75840, MedGen C4225314, MONDO:0014654, OMIM 616470.
Bethlem myopathy 2 (BTHLM2). Identifiers: Orphanet 536516, Orphanet 610, MedGen C4225313, MONDO:0034022, OMIM 616471.

Allele frequency attached by ClinVar (database versions not stated): gnomAD exomes below 0.00001; ExAC 0.00001; gnomAD 0.00001; TOPMed 0.00001; 1000 Genomes Project 30x 0.00016; 1000 Genomes Project 0.00020.
gnomAD v4.1: 8 of 1,614,162 alleles (0.0005%); highest among the groups gnomAD compares: East Asian, 0.0045%; no homozygotes.

Submissions (5):

Women's Health and Genetics/Laboratory Corporation of America, LabCorp
Classification: Uncertain significance. Last evaluated: 2026-04-20. Review status: criteria provided, single submitter. Criteria: LabCorp Variant Classification Summary - May 2015. Collection method: clinical testing. Allele origin: germline.
Comment: Variant summary: COL12A1 c.1646C>T (p.Thr549Met) results in a non-conservative amino acid change in the encoded protein sequence. Algorithms developed to predict the effect of missense changes on protein structure and function all suggest that this variant is likely to be disruptive. The variant allele was found at a frequency of 4e-06 in 249414 control chromosomes. The available data on variant occurrences in the general population are insufficient to allow any conclusion about variant significance. To our knowledge, no occurrence of c.1646C>T in individuals affected with COL12A1-related conditions and no experimental evidence demonstrating its impact on protein function have been reported. ClinVar contains an entry for this variant (Variation ID: 962812). Based on the evidence outlined above, the variant was classified as uncertain significance.

Labcorp Genetics (formerly Invitae), Labcorp
Classification: Uncertain significance for Bethlem myopathy 2; Ullrich congenital muscular dystrophy 2. Last evaluated: 2026-01-25. Review status: criteria provided, single submitter. Criteria: Invitae Variant Classification Sherloc (09022015). Collection method: clinical testing. Allele origin: germline.
Comment: This sequence change replaces threonine, which is neutral and polar, with methionine, which is neutral and non-polar, at codon 549 of the COL12A1 protein (p.Thr549Met). This variant is present in population databases (rs557804521, gnomAD 0.006%). This variant has not been reported in the literature in individuals affected with COL12A1-related conditions. ClinVar contains an entry for this variant (Variation ID: 962812). Invitae Evidence Modeling of protein sequence and biophysical properties (such as structural, functional, and spatial information, amino acid conservation, physicochemical variation, residue mobility, and thermodynamic stability) has been performed for this missense variant. However, the output from this modeling did not meet the statistical confidence thresholds required to predict the impact of this variant on COL12A1 protein function. In summary, the available evidence is currently insufficient to determine the role of this variant in disease. Therefore, it has been classified as a Variant of Uncertain Significance.

Ambry Genetics
Classification: Uncertain significance for Inborn genetic diseases. Last evaluated: 2024-11-19. Review status: criteria provided, single submitter. Criteria: Ambry Variant Classification Scheme 2023. Collection method: clinical testing. Allele origin: germline.

Revvity Omics, Revvity
Classification: Uncertain significance. Last evaluated: 2023-06-14. Review status: criteria provided, single submitter. Criteria: ACMG Guidelines, 2015. Collection method: clinical testing. Allele origin: germline.

GeneDx
Classification: Uncertain significance. Last evaluated: 2022-12-21. Review status: criteria provided, single submitter. Criteria: GeneDx Variant Classification Process June 2021. Collection method: clinical testing. Allele origin: germline. Affected: yes.
Comment: Not observed at significant frequency in large population cohorts (gnomAD); In silico analysis supports that this missense variant does not alter protein structure/function; Has not been previously published as pathogenic or benign to our knowledge

NM_004370.6(COL12A1):c.1646C>T (p.Thr549Met)

Gene: COL12A1 (collagen type XII alpha 1 chain; minus strand). Cytogenetic location: 6q13.
Variant type: single nucleotide variant.
Coding change: c.1646C>T on transcript NM_004370.6 (MANE Select); coding-DNA position 1646, C replaced by T.
Protein change: p.Thr549Met; replaces threonine 549 with methionine.
Molecular consequence: missense variant. On other transcripts: intron variant (1).
Genome position (GRCh38, 1-based): chr6:75,183,295, G>A on the plus strand (C>T on the coding strand, the complement: COL12A1 is on the minus strand). VCF-style: chr6-75183295-G-A. GRCh37 (hg19) VCF-style: chr6-75893011-G-A.
Other names: c.73+19425C>T (NM_080645.3); short protein forms T549M.
Identifiers: ClinVar variation 962812 (VCV000962812.11), dbSNP rs557804521, ClinGen allele CA3894163.